The following is an entry in ClinVar:

ClinVar aggregate classification (germline): Uncertain significance (1 of 4 stars; one submission).

Submission:

Women's Health and Genetics/Laboratory Corporation of America, LabCorp
Classification: Uncertain significance. Last evaluated: 2020-04-20. Review status: criteria provided, single submitter. Criteria: LabCorp Variant Classification Summary - May 2015. Collection method: clinical testing. Allele origin: germline.
Comment: Variant summary: RIT1 c.563_648dup86 (p.Ser217ArgfsX20) causes a frameshift which results in an extension of the protein. The variant was absent in 251364 control chromosomes. The available data on variant occurrences in the general population are insufficient to allow any conclusion about variant significance. To our knowledge, no occurrence of c.563_648dup86 in individuals affected with Noonan Syndrome And Related Conditions and no experimental evidence demonstrating its impact on protein function have been reported. No clinical diagnostic laboratories have submitted clinical-significance assessments for this variant to ClinVar after 2014. Based on the evidence outlined above, the variant was classified as uncertain significance.

NM_006912.6(RIT1):c.563_648dup (p.Ser217delinsArgGlnTyrTrpProTrpArgLysAsnLeuSerProLysThrValTyrGlyArgGlyTer)

Gene: RIT1 (Ras like without CAAX 1; minus strand). Cytogenetic location: 1q22.
Variant type: Duplication.
Coding change: c.563_648dup on transcript NM_006912.6 (MANE Select); coding-DNA positions 563 to 648, 86 bases duplicated.
Protein change: p.Ser217delinsArgGlnTyrTrpProTrpArgLysAsnLeuSerProLysThrValTyrGlyArgGlyTer.
Molecular consequence: nonsense.
Genome position (GRCh38, 1-based): chr1:155,900,400-155,900,485, 86 bases duplicated. GRCh37 (hg19): chr1:155,870,191-155,870,276.
Other names: c.455_540dup, p.Ser181delinsArgGlnTyrTrpProTrpArgLysAsnLeuSerProLysThrValTyrGlyArgGlyTer (NM_001256820.2); c.614_699dup, p.Ser234delinsArgGlnTyrTrpProTrpArgLysAsnLeuSerProLysThrValTyrGlyArgGlyTer (NM_001256821.2).
Identifiers: ClinVar variation 917770 (VCV000917770.1), dbSNP rs1673287743, ClinGen allele CA1139655515.